The following is an entry in ClinVar:

ClinVar aggregate classification (germline): Uncertain significance. Review status: criteria provided, multiple submitters, no conflicts (2 of 4 stars). 2 submissions from 2 submitters: Uncertain significance (2). Last evaluated 2025-12-14.

Conditions:
Familial adenomatous polyposis 2. Also called: COLORECTAL ADENOMATOUS POLYPOSIS, AUTOSOMAL RECESSIVE; ADENOMAS, MULTIPLE COLORECTAL, AUTOSOMAL RECESSIVE; MYH-associated polyposis; MUTYH-associated polyposis; MUTYH-related attenuated familial adenomatous polyposis; FAP type 2. Identifiers: Orphanet 220460, Orphanet 247798, MedGen C3272841, MONDO:0012041, OMIM 608456.
Hereditary cancer-predisposing syndrome. Also called: Tumor predisposition; Neoplastic Syndromes, Hereditary; Hereditary Cancer Syndrome; Hereditary neoplastic syndrome. Identifiers: Orphanet 140162, MedGen C0027672, MeSH D009386, MONDO:0015356.

Submissions (2):

Labcorp Genetics (formerly Invitae), Labcorp
Classification: Uncertain significance for Familial adenomatous polyposis 2. Last evaluated: 2025-12-14. Review status: criteria provided, single submitter. Criteria: Invitae Variant Classification Sherloc (09022015). Collection method: clinical testing. Allele origin: germline.
Comment: This sequence change replaces alanine, which is neutral and non-polar, with glycine, which is neutral and non-polar, at codon 548 of the MUTYH protein (p.Ala548Gly). This variant is not present in population databases (gnomAD no frequency). This variant has not been reported in the literature in individuals affected with MUTYH-related conditions. ClinVar contains an entry for this variant (Variation ID: 4113490). An algorithm developed to predict the effect of missense changes on protein structure and function (PolyPhen-2) suggests that this variant is likely to be tolerated. Algorithms developed to predict the effect of sequence changes on RNA splicing suggest that this variant may create or strengthen a splice site. In summary, the available evidence is currently insufficient to determine the role of this variant in disease. Therefore, it has been classified as a Variant of Uncertain Significance.

Ambry Genetics
Classification: Uncertain significance for Hereditary cancer-predisposing syndrome. Last evaluated: 2025-08-27. Review status: criteria provided, single submitter. Criteria: Ambry Variant Classification Scheme 2023. Collection method: clinical testing. Allele origin: germline.
Comment: The p.A548G variant (also known as c.1643C>G), located in coding exon 16 of the MUTYH gene, results from a C to G substitution at nucleotide position 1643. The alanine at codon 548 is replaced by glycine, an amino acid with similar properties. This amino acid position is conserved. In addition, this alteration is predicted to be tolerated by in silico analysis. Based on the available evidence, the clinical significance of this variant remains unclear.

NM_001048174.2(MUTYH):c.1559C>G (p.Ala520Gly)

Gene: MUTYH (mutY DNA glycosylase; minus strand). Cytogenetic location: 1p34.1.
Variant type: single nucleotide variant.
Coding change: c.1559C>G on transcript NM_001048174.2 (MANE Select); coding-DNA position 1559, C replaced by G.
Protein change: p.Ala520Gly; replaces alanine 520 with glycine.
Molecular consequence: missense variant. On other transcripts: non-coding transcript variant (7).
Genome position (GRCh38, 1-based): chr1:45,329,313, G>C on the plus strand (C>G on the coding strand, the complement: MUTYH is on the minus strand). VCF-style: chr1-45329313-G-C. GRCh37 (hg19) VCF-style: chr1-45794985-G-C.
Other names: c.1559C>G, p.Ala520Gly (NM_001048171.2, NM_001048173.2, NM_001407081.1 and 6 more transcripts); c.1562C>G, p.Ala521Gly (NM_001048172.2, NM_001407078.1, NM_001407086.1 and 1 more transcripts); c.1643C>G, p.Ala548Gly (NM_001128425.2); c.1604C>G, p.Ala535Gly (NM_001293190.2); c.1592C>G, p.Ala531Gly (NM_001293191.2, NM_001407077.1, NM_001407069.1); c.1283C>G, p.Ala428Gly (NM_001293192.2, NM_001293196.2, NM_001407091.1); c.1520C>G, p.Ala507Gly (NM_001407079.1); c.1517C>G, p.Ala506Gly (NM_001407080.1); and 5 more; short protein forms A520G, A527G, A428G, A492G, A507G, A531G, A535G, A548G.
Identifiers: ClinVar variation 4113490 (VCV004113490.2).